The following is an entry in ClinVar:

NM_024580.6(EFL1):c.2631C>G (p.Thr877=)

Gene: EFL1 (elongation factor like GTPase 1; minus strand). Cytogenetic location: 15q25.2.
Variant type: single nucleotide variant.
Coding change: c.2631C>G on transcript NM_024580.6 (MANE Select); coding-DNA position 2631, C replaced by G.
Protein change: p.Thr877=; no amino-acid change (threonine 877 retained).
Molecular consequence: synonymous variant. On other transcripts: non-coding transcript variant (1).
Genome position (GRCh38, 1-based): chr15:82,151,823, G>C on the plus strand (C>G on the coding strand, the complement: EFL1 is on the minus strand). VCF-style: chr15-82151823-G-C. GRCh37 (hg19) VCF-style: chr15-82444164-G-C.
Other names: c.2478C>G, p.Thr826= (NM_001040610.3); c.1842C>G, p.Thr614= (NM_001322844.2); c.2631C>G, p.Thr877= (NM_001322845.2); c.2631C>G (NM_024580.5).
Identifiers: ClinVar variation 1593141 (VCV001593141.10), dbSNP rs761306150, ClinGen allele CA7697720.
Genomic context (GRCh38, chr15:82,151,823, plus strand): 5'-CCATTTTTCCAGAACAAAACAGACACCCATGAGAGGCTCCTCACACATGGGGCCAGAGAG[G>C]GTTGCTAGTTGGAAGCCACTCACAATGCTATTGCCCAAATCTCGGTATCTACTGGCTTCT-3'
Protein context (NP_078856.4, residues 867-887): NSIVSGFQLA[Thr877=]LSGPMCEEPL

ClinVar aggregate classification (germline): Likely benign. Review status: criteria provided, single submitter (1 of 4 stars). 2 submissions from 2 submitters: Likely benign (1). 1 of the submissions does not count toward it. Last evaluated 2025-11-03.

Conditions:
EFL1-related disorder. Also called: EFL1-related condition.

Allele frequency attached by ClinVar (database versions not stated): gnomAD 0.00001 and 0.00003; TOPMed 0.00003; ExAC 0.00004; 1000 Genomes Project 30x 0.00031.
gnomAD v4.1: 57 of 1,614,084 alleles (0.0035%); highest among the groups gnomAD compares: East Asian, 0.087%; no homozygotes.

Submissions (2):

Labcorp Genetics (formerly Invitae), Labcorp
Classification: Likely benign. Last evaluated: 2025-11-03. Review status: criteria provided, single submitter. Criteria: Invitae Variant Classification Sherloc (09022015). Collection method: clinical testing. Allele origin: germline.

PreventionGenetics, part of Exact Sciences
Classification: Likely benign for EFL1-related condition. Last evaluated: 2023-07-14. Review status: no assertion criteria provided. Collection method: clinical testing. Allele origin: germline. Not counted in ClinVar's aggregate classification.
Comment: This variant is classified as likely benign based on ACMG/AMP sequence variant interpretation guidelines (Richards et al. 2015 PMID: 25741868, with internal and published modifications).